The following is an entry in ClinVar:

NM_001267550.2(TTN):c.12744_12745del (p.Arg4249fs)

Gene: TTN (titin; minus strand). Cytogenetic location: 2q31.2.
Variant type: Deletion.
Coding change: c.12744_12745del on transcript NM_001267550.2 (MANE Select); coding-DNA positions 12744 to 12745, 2 bases deleted (AA; older notation c.12744_12745delAA).
Protein change: p.Arg4249fs; shifts the reading frame from arginine 4249.
Molecular consequence: frameshift variant. On other transcripts: intron variant (1).
Genome position (GRCh38, 1-based): chr2:178,740,488-178,740,489, TT deleted on the plus strand (AA on the coding strand, the reverse complement: TTN is on the minus strand); deleting any 2 consecutive bases within chr2:178,740,488-178,740,490 gives the same sequence; the c. name uses the placement nearest the transcript's 3' end. VCF-style (leftmost placement, unchanged base first): chr2-178740487-CTT-C. GRCh37 (hg19) VCF-style: chr2-179605214-CTT-C.
Other names: c.11793_11794del, p.Arg3932fs (NM_001256850.1); c.11655_11656del, p.Arg3886fs (NM_003319.4); c.12030_12031del, p.Arg4011fs (NM_133432.3); c.12231_12232del, p.Arg4078fs (NM_133437.4); c.10361-2129_10361-2128del (NM_133378.4); short protein forms R3886fs, R3932fs, R4011fs, R4078fs, R4249fs.
Identifiers: ClinVar variation 1329109 (VCV001329109.7), dbSNP rs2154318180, ClinGen allele CA2573051806.

ClinVar aggregate classification (germline): Likely pathogenic. Review status: criteria provided, multiple submitters, no conflicts (2 of 4 stars). 2 submissions from 2 submitters: Likely pathogenic (2). Last evaluated 2024-12-19.

Conditions:
Dilated cardiomyopathy 1G (CMD1G). Identifiers: Orphanet 154, MedGen C1858763, MONDO:0011400, OMIM 604145.
Autosomal recessive limb-girdle muscular dystrophy type 2J (LGMDR10). Also called: Limb-girdle muscular dystrophy, type 2J; MUSCULAR DYSTROPHY, LIMB-GIRDLE, AUTOSOMAL RECESSIVE 10. Identifiers: Orphanet 140922, MedGen C1837342, MONDO:0012127, OMIM 608807.
Cardiomyopathy (CMYO). Also called: Cardiomyopathies. Identifiers: Orphanet 167848, MedGen C0878544, MONDO:0004994, HP:0001638. Inheritance: Various modes of inheritance.

Submissions (2):

Labcorp Genetics (formerly Invitae), Labcorp
Classification: Likely pathogenic for Dilated cardiomyopathy 1G; Autosomal recessive limb-girdle muscular dystrophy type 2J. Last evaluated: 2024-12-19. Review status: criteria provided, single submitter. Criteria: Invitae Variant Classification Sherloc (09022015). Collection method: clinical testing. Allele origin: germline.
Comment: This sequence change creates a premature translational stop signal (p.Arg4249Serfs*20) in the TTN gene. While this is not anticipated to result in nonsense mediated decay, it is expected to create a truncated TTN protein. This variant is not present in population databases (gnomAD no frequency). This variant has not been reported in the literature in individuals affected with TTN-related conditions. ClinVar contains an entry for this variant (Variation ID: 1329109). This variant is located in the I band of TTN (PMID: 25589632). Truncating variants in this region have been reported in individuals affected with autosomal recessive centronuclear myopathy (PMID: 23975875, internal data). Truncating variants in this region have also been identified in individuals affected with autosomal dominant dilated cardiomyopathy and/or cardio-related conditions (PMID: 27869827, 32964742, internal data). In summary, the currently available evidence indicates that the variant is pathogenic, but additional data are needed to prove that conclusively. Therefore, this variant has been classified as Likely Pathogenic.

CHEO Genetics Diagnostic Laboratory, Children's Hospital of Eastern Ontario
Classification: Likely pathogenic for Cardiomyopathy. Last evaluated: 2023-02-13. Review status: criteria provided, single submitter. Criteria: ACMG Guidelines, 2015. Collection method: clinical testing. Allele origin: germline.

Literature cited by the submitters: PubMed 25589632 (cited by Labcorp Genetics (formerly Invitae), Labcorp); PubMed 23975875 (cited by Labcorp Genetics (formerly Invitae), Labcorp); PubMed 27869827 (cited by Labcorp Genetics (formerly Invitae), Labcorp); PubMed 32964742 (cited by Labcorp Genetics (formerly Invitae), Labcorp).